The following is an entry in ClinVar:

NM_001128840.3(CACNA1D):c.5417A>G (p.Tyr1806Cys)

Gene: CACNA1D (calcium voltage-gated channel subunit alpha1 D; plus strand). Cytogenetic location: 3p21.1.
Variant type: single nucleotide variant.
Coding change: c.5417A>G on transcript NM_001128840.3 (MANE Select); coding-DNA position 5417, A replaced by G.
Protein change: p.Tyr1806Cys; replaces tyrosine 1806 with cysteine.
Molecular consequence: missense variant. On other transcripts: intron variant (1).
Genome position (GRCh38, 1-based): chr3:53,802,155, A>G. VCF-style: chr3-53802155-A-G. GRCh37 (hg19) VCF-style: chr3-53836182-A-G.
Other names: c.5477A>G, p.Tyr1826Cys (NM_000720.4); c.5363+730A>G (NM_001128839.3); short protein forms Y1826C, Y1806C.
Identifiers: ClinVar variation 504810 (VCV000504810.11), dbSNP rs369626956, ClinGen allele CA2455132.

ClinVar aggregate classification (germline): Conflicting classifications of pathogenicity. Review status: criteria provided, conflicting classifications (1 of 4 stars). 3 submissions from 3 submitters: Uncertain significance (2); Likely benign (1). Last evaluated 2025-12-24.

Allele frequency attached by ClinVar (database versions not stated): gnomAD exomes 0.00001 and 0.00002; ExAC 0.00002; TOPMed 0.00008; gnomAD 0.00011 and 0.00012; ESP Exome Variant Server 0.00015.
gnomAD v4.1: 30 of 1,608,688 alleles (0.0019%); highest among the groups gnomAD compares: African/African-American, 0.036%; no homozygotes.

Submissions (3):

Labcorp Genetics (formerly Invitae), Labcorp
Classification: Likely benign. Last evaluated: 2025-12-24. Review status: criteria provided, single submitter. Criteria: Invitae Variant Classification Sherloc (09022015). Collection method: clinical testing. Allele origin: germline.

GeneDx
Classification: Uncertain significance. Last evaluated: 2025-05-12. Review status: criteria provided, single submitter. Criteria: GeneDx Variant Classification Process June 2021. Collection method: clinical testing. Allele origin: germline. Affected: yes.
Comment: In silico analysis suggests that this missense variant does not alter protein structure/function; Has not been previously published as pathogenic or benign to our knowledge

Laboratory for Molecular Medicine, Mass General Brigham Personalized Medicine
Classification: Uncertain significance. Last evaluated: 2017-03-31. Review status: criteria provided, single submitter. Criteria: LMM Criteria. Collection method: clinical testing. Allele origin: germline. Observed: 1 variant allele.
Comment: The p.Tyr1826Cys variant in CACNA1D has not been previously reported in individu als with hearing loss, but has been identified in 3/10404 African chromosomes by the Exome Aggregation Consortium (ExAC; dbSNP r s369626956). Although this variant has been seen in the general population, its frequency is not high enough to rule out a pathogenic role. Computational predic tion tools and conservation analyses do not provide strong support for or agains t an impact to the protein. In summary, the clinical significance of the p.Tyr18 26Cys variant is uncertain.